The following is an entry in ClinVar:

NM_024675.4(PALB2):c.1095G>C (p.Arg365Ser)

Gene: PALB2 (partner and localizer of BRCA2; minus strand). Cytogenetic location: 16p12.2.
Variant type: single nucleotide variant.
Coding change: c.1095G>C on transcript NM_024675.4 (MANE Select); coding-DNA position 1095, G replaced by C.
Protein change: p.Arg365Ser; replaces arginine 365 with serine.
Molecular consequence: missense variant.
Genome position (GRCh38, 1-based): chr16:23,635,451, C>G on the plus strand (G>C on the coding strand, the complement: PALB2 is on the minus strand). VCF-style: chr16-23635451-C-G. GRCh37 (hg19) VCF-style: chr16-23646772-C-G.
Other names: short protein forms R365S.
Identifiers: ClinVar variation 126589 (VCV000126589.3), dbSNP rs515726062, ClinGen allele CA269480.

ClinVar aggregate classification (germline): Uncertain significance (0 of 4 stars; one submission).

Conditions:
Familial cancer of breast. Also called: BREAST CANCER, FAMILIAL; hereditary breast carcinoma; Hereditary breast cancer. Identifiers: Orphanet 227535, MedGen C0346153, MONDO:0016419, OMIM 114480. Disease mechanism: loss of function.

Submission:

Leiden Open Variation Database
Classification: Uncertain significance for Familial cancer of breast. Last evaluated: 2019-05-13. Review status: no assertion criteria provided. Collection method: curation. Allele origin: germline. Affected: yes.
Comment: Curators: Marc Tischkowitz, Arleen D. Auerbach. Submitter to LOVD: Marc Tischkowitz.

Literature cited by the submitters: PubMed 21285249.